The following is an entry in ClinVar:

NM_015102.5(NPHP4):c.832G>A (p.Gly278Ser)

Gene: NPHP4 (nephrocystin 4; minus strand). Cytogenetic location: 1p36.31.
Variant type: single nucleotide variant.
Coding change: c.832G>A on transcript NM_015102.5 (MANE Select); coding-DNA position 832, G replaced by A.
Protein change: p.Gly278Ser; replaces glycine 278 with serine.
Molecular consequence: missense variant. On other transcripts: 5 prime UTR variant (2), non-coding transcript variant (1).
Genome position (GRCh38, 1-based): chr1:5,948,230, C>T on the plus strand (G>A on the coding strand, the complement: NPHP4 is on the minus strand). VCF-style: chr1-5948230-C-T. GRCh37 (hg19) VCF-style: chr1-6008290-C-T.
Other names: c.-535G>A (NM_001291593.2, NM_001291594.2); short protein forms G278S.
Identifiers: ClinVar variation 1714692 (VCV001714692.3), dbSNP rs2523148932, ClinGen allele CA338065395.

ClinVar aggregate classification (germline): Uncertain significance (1 of 4 stars; one submission).

Conditions:
Nephronophthisis. Also called: Juvenile Nephronophthisis. Identifiers: Orphanet 655, MedGen C0687120, MONDO:0019005, HP:0000090.

Submission:

Labcorp Genetics (formerly Invitae), Labcorp
Classification: Uncertain significance for Nephronophthisis. Last evaluated: 2023-12-11. Review status: criteria provided, single submitter. Criteria: Invitae Variant Classification Sherloc (09022015). Collection method: clinical testing. Allele origin: germline.
Comment: This sequence change replaces glycine, which is neutral and non-polar, with serine, which is neutral and polar, at codon 278 of the NPHP4 protein (p.Gly278Ser). This variant is not present in population databases (gnomAD no frequency). This variant has not been reported in the literature in individuals affected with NPHP4-related conditions. ClinVar contains an entry for this variant (Variation ID: 1714692). Advanced modeling of protein sequence and biophysical properties (such as structural, functional, and spatial information, amino acid conservation, physicochemical variation, residue mobility, and thermodynamic stability) performed at Invitae indicates that this missense variant is not expected to disrupt NPHP4 protein function with a negative predictive value of 80%. In summary, the available evidence is currently insufficient to determine the role of this variant in disease. Therefore, it has been classified as a Variant of Uncertain Significance.